The following is an entry in ClinVar:

ClinVar aggregate classification (germline): Pathogenic (1 of 4 stars; one submission).

Conditions:
Lynch syndrome 5 (LYNCH5). Also called: Colorectal cancer, hereditary nonpolyposis, type 5; Hereditary non-polyposis colorectal cancer, type 5. Identifiers: Orphanet 144, MedGen C1833477, MONDO:0013710, OMIM 614350. Disease mechanism: loss of function.

Submission:

Myriad Genetics, Inc.
Classification: Pathogenic for Lynch syndrome 5. Last evaluated: 2023-08-10. Review status: criteria provided, single submitter. Criteria: Myriad Autosomal Dominant, Autosomal Recessive and X-Linked Classification Criteria (2023). Collection method: clinical testing. Allele origin: unknown.
Comment: This variant is considered pathogenic. This variant creates a frameshift predicted to result in premature protein truncation.

NM_000179.3(MSH6):c.369del (p.Lys125fs)

Gene: MSH6 (mutS homolog 6; plus strand). Cytogenetic location: 2p16.3.
Variant type: Deletion.
Coding change: c.369del on transcript NM_000179.3 (MANE Select); coding-DNA position 369, one base deleted (A; older notation c.369delA).
Protein change: p.Lys125fs; shifts the reading frame from lysine 125.
Molecular consequence: frameshift variant. On other transcripts: 5 prime UTR variant (7), non-coding transcript variant (5), intron variant (6).
Genome position (GRCh38, 1-based): chr2:47,791,035, A deleted; the last of 3 consecutive A bases (chr2:47,791,033-47,791,035); deleting any one gives the same sequence. VCF-style (leftmost placement, unchanged base first): chr2-47791032-GA-G. GRCh37 (hg19) VCF-style: chr2-48018171-GA-G.
Other names: c.-368del (NM_001281493.2, NM_001406811.1, NM_001406823.1 and 1 more transcripts); c.-534del (NM_001281494.2); c.465del, p.Lys157fs (NM_001406795.1, NM_001406802.1); c.369del, p.Lys125fs (NM_001406796.1, NM_001406798.1, NM_001406800.1 and 6 more transcripts); c.72del, p.Lys26fs (NM_001406797.1, NM_001406801.1, NM_001406805.1 and 10 more transcripts); c.291del, p.Lys99fs (NM_001406804.1); c.-560del (NM_001406807.1); c.-626del (NM_001406814.1); and 6 more; short protein forms K125fs, K157fs, K26fs, K69fs, K99fs.
Identifiers: ClinVar variation 2673626 (VCV002673626.1), dbSNP rs2530436389, ClinGen allele CA2695200724.